The following is an entry in ClinVar:

ClinVar aggregate classification (germline): Likely pathogenic (1 of 4 stars; one submission).

Submission:

Labcorp Genetics (formerly Invitae), Labcorp
Classification: Likely pathogenic. Last evaluated: 2022-11-30. Review status: criteria provided, single submitter. Criteria: Invitae Variant Classification Sherloc (09022015). Collection method: clinical testing. Allele origin: germline.
Comment: This variant results in the deletion of part of exon 6 (c.863-16_872del) of the EYS gene. It is expected to disrupt RNA splicing. Variants that disrupt the donor or acceptor splice site typically lead to a loss of protein function (PMID: 16199547), and loss-of-function variants in EYS are known to be pathogenic (PMID: 18836446, 20333770). This variant is not present in population databases (gnomAD no frequency). This variant has not been reported in the literature in individuals affected with EYS-related conditions. Algorithms developed to predict the effect of sequence changes on RNA splicing suggest that this variant may disrupt the consensus splice site. In summary, the currently available evidence indicates that the variant is pathogenic, but additional data are needed to prove that conclusively. Therefore, this variant has been classified as Likely Pathogenic.

Literature cited by the submitters: PubMed 16199547; PubMed 18836446; PubMed 20333770.

NM_001142800.2(EYS):c.863-16_872del

Gene: EYS (EGF-like photoreceptor maintenance factor; minus strand). Cytogenetic location: 6q12.
Variant type: Deletion.
Coding change: c.863-16_872del on transcript NM_001142800.2 (MANE Select); 16 bases into the intron before coding-DNA position 863 through coding-DNA position 872, 26 bases deleted (GTGTGATTTTTTTAAGGTCCATTCTG).
Molecular consequence: splice acceptor variant.
Genome position (GRCh38, 1-based): chr6:65,405,358-65,405,383, CAGAATGGACCTTAAAAAAATCACAC deleted on the plus strand (GTGTGATTTTTTTAAGGTCCATTCTG on the coding strand, the reverse complement: EYS is on the minus strand). VCF-style (leftmost placement, unchanged base first): chr6-65405357-ACAGAATGGACCTTAAAAAAATCACAC-A. GRCh37 (hg19) VCF-style: chr6-66115250-ACAGAATGGACCTTAAAAAAATCACAC-A.
Other names: c.863-16_872del (NM_001292009.2, NM_001142801.2, NM_198283.2).
Identifiers: ClinVar variation 1944519 (VCV001944519.5), dbSNP rs2533378257, ClinGen allele CA2580075692.
Genomic context (GRCh38, chr6:65,405,357, plus strand): 5'-ATTTGGGCAAATTCCTCTTTTCCAAAAAAGCAGAGAAACACAAGGTTTTGCTGACACCTC[ACAGAATGGACCTTAAAAAAATCACAC>A]ACAAGAAAAAAAAAGAAAAGGAAGGAAGGAAAGAAGAAATGAGCATAGATATGTAGCAAA-3'